The following is an entry in ClinVar:

NM_005560.6(LAMA5):c.3733G>A (p.Gly1245Ser)

Gene: LAMA5 (laminin subunit alpha 5; minus strand). Cytogenetic location: 20q13.33.
Variant type: single nucleotide variant.
Coding change: c.3733G>A on transcript NM_005560.6 (MANE Select); coding-DNA position 3733, G replaced by A.
Protein change: p.Gly1245Ser; replaces glycine 1245 with serine.
Molecular consequence: missense variant.
Genome position (GRCh38, 1-based): chr20:62,330,862, C>T on the plus strand (G>A on the coding strand, the complement: LAMA5 is on the minus strand). VCF-style: chr20-62330862-C-T. GRCh37 (hg19) VCF-style: chr20-60905918-C-T.
Other names: short protein forms G1245S.
Identifiers: ClinVar variation 4692435 (VCV004692435.1).
Genomic context (GRCh38, chr20:62,330,862, plus strand): 5'-GTCGGGGTCCAGCTGGGGACATGGCTGGAGTGAGATCCTGCGCGTGGGTCAGCGGGAGGC[C>T]GGGCGGCAGCGGGATCACCTGGCAGTCCCTGAGGATGATGGGCTGGGGCGGCTTTGGGAA-3'
Protein context (NP_005551.3, residues 1235-1255): RDCQVIPLPP[Gly1245Ser]LPLTHAQDLT

ClinVar aggregate classification (germline): Uncertain significance (1 of 4 stars; one submission).

gnomAD v4.1: 44 of 1,539,476 alleles (0.0029%); highest among the groups gnomAD compares: Middle Eastern, 0.017%; no homozygotes.

Submission:

Labcorp Genetics (formerly Invitae), Labcorp
Classification: Uncertain significance. Last evaluated: 2025-09-21. Review status: criteria provided, single submitter. Criteria: Invitae Variant Classification Sherloc (09022015). Collection method: clinical testing. Allele origin: germline.
Comment: This sequence change replaces glycine, which is neutral and non-polar, with serine, which is neutral and polar, at codon 1245 of the LAMA5 protein (p.Gly1245Ser). This variant is present in population databases (rs367908848, gnomAD 0.006%). This variant has not been reported in the literature in individuals affected with LAMA5-related conditions. An algorithm developed to predict the effect of missense changes on protein structure and function outputs the following: PolyPhen-2: "Benign". The serine amino acid residue is found in multiple mammalian species, which suggests that this missense change does not adversely affect protein function. In summary, the available evidence is currently insufficient to determine the role of this variant in disease. Therefore, it has been classified as a Variant of Uncertain Significance.